The following is an entry in ClinVar:

ClinVar aggregate classification (germline): Uncertain significance (1 of 4 stars; one submission).

Submission:

Labcorp Genetics (formerly Invitae), Labcorp
Classification: Uncertain significance. Last evaluated: 2021-09-17. Review status: criteria provided, single submitter. Criteria: Invitae Variant Classification Sherloc (09022015). Collection method: clinical testing. Allele origin: germline.
Comment: This sequence change replaces alanine with threonine at codon 634 of the MYO18B protein (p.Ala634Thr). The alanine residue is weakly conserved and there is a small physicochemical difference between alanine and threonine. This variant is not present in population databases (ExAC no frequency). This variant has not been reported in the literature in individuals affected with MYO18B-related conditions. Algorithms developed to predict the effect of missense changes on protein structure and function output the following: SIFT: "Not Available"; PolyPhen-2: "Benign"; Align-GVGD: "Not Available". The threonine amino acid residue is found in multiple mammalian species, which suggests that this missense change does not adversely affect protein function. In summary, the available evidence is currently insufficient to determine the role of this variant in disease. Therefore, it has been classified as a Variant of Uncertain Significance.

NM_032608.7(MYO18B):c.1900G>A (p.Ala634Thr)

Gene: MYO18B (myosin XVIIIB; plus strand). Cytogenetic location: 22q12.1.
Variant type: single nucleotide variant.
Coding change: c.1900G>A on transcript NM_032608.7 (MANE Select); coding-DNA position 1900, G replaced by A.
Protein change: p.Ala634Thr; replaces alanine 634 with threonine.
Molecular consequence: missense variant.
Genome position (GRCh38, 1-based): chr22:25,777,613, G>A. VCF-style: chr22-25777613-G-A. GRCh37 (hg19) VCF-style: chr22-26173580-G-A.
Other names: c.1900G>A, p.Ala634Thr (NM_001318245.2); short protein forms A634T.
Identifiers: ClinVar variation 1405770 (VCV001405770.1), dbSNP rs2145638709, ClinGen allele CA410992382.